The following is an entry in ClinVar:

NM_018129.4(PNPO):c.-1dup (p.Met1fs)

Gene: PNPO (pyridoxamine 5'-phosphate oxidase; plus strand). Cytogenetic location: 17q21.32.
Variant type: Duplication.
Coding change: c.-1dup on transcript NM_018129.4 (MANE Select); 1 bases upstream of the start codon, one base duplicated (C; older notation c.-1dupC).
Protein change: p.Met1fs; shifts the reading frame from methionine 1.
Molecular consequence: frameshift variant.
Genome position (GRCh38, 1-based): chr17:47,941,675, C duplicated; the last of 6 consecutive C bases (chr17:47,941,670-47,941,675); duplicating any one gives the same sequence. VCF-style (leftmost placement, unchanged base first): chr17-47941669-G-GC. GRCh37 (hg19) VCF-style: chr17-46019035-G-GC.
Other names: short protein forms M1fs.
Identifiers: ClinVar variation 206438 (VCV000206438.2), dbSNP rs796052867, ClinGen allele CA316543.
Genomic context (GRCh38, chr17:47,941,669, plus strand): 5'-AATTGGTTCCGAACTCAAAGGAACCCAGTGCCGGGCCACAGCCGGGTCACGTGGCCGGCG[G>GC]CCCCCCATGACGTGCTGGCTGCGGGGCGTCACGGCGACGTTCGGGCGACCTGCCGAGTGG-3'

ClinVar aggregate classification (germline): Likely benign. Review status: criteria provided, multiple submitters, no conflicts (2 of 4 stars). 2 submissions from 2 submitters: Likely benign (2). Last evaluated 2024-10-04.

Submissions (2):

Blueprint Genetics
Classification: Likely benign. Last evaluated: 2024-10-04. Review status: criteria provided, single submitter. Criteria: ACMG Guidelines, 2015. Collection method: clinical testing. Allele origin: germline.

GeneDx
Classification: Likely benign. Last evaluated: 2017-08-25. Review status: criteria provided, single submitter. Criteria: GeneDx Variant Classification (06012015). Collection method: clinical testing. Allele origin: germline. Affected: yes.
Comment: This variant is considered likely benign or benign based on one or more of the following criteria: it is a conservative change, it occurs at a poorly conserved position in the protein, it is predicted to be benign by multiple in silico algorithms, and/or has population frequency not consistent with disease.